The following is an entry in ClinVar:

NM_001386795.1(DTNA):c.1636C>T (p.Arg546Trp)

Gene: DTNA (dystrobrevin alpha; plus strand). Cytogenetic location: 18q12.1.
Variant type: single nucleotide variant.
Coding change: c.1636C>T on transcript NM_001386795.1 (MANE Select); coding-DNA position 1636, C replaced by T.
Protein change: p.Arg546Trp; replaces arginine 546 with tryptophan.
Molecular consequence: missense variant.
Genome position (GRCh38, 1-based): chr18:34,858,388, C>T. VCF-style: chr18-34858388-C-T. GRCh37 (hg19) VCF-style: chr18-32438352-C-T.
Other names: c.1375C>T, p.Arg459Trp (NM_001198938.2, NM_001198939.2, NM_001198940.2 and 9 more transcripts); c.682C>T, p.Arg228Trp (NM_001198942.1); c.625C>T, p.Arg209Trp (NM_001198943.1); c.511C>T, p.Arg171Trp (NM_001198944.1); c.805C>T, p.Arg269Trp (NM_001198945.2); c.1465C>T, p.Arg489Trp (NM_001386754.1, NM_001386755.1, NM_001386756.1 and 4 more transcripts); c.1462C>T, p.Arg488Trp (NM_001386760.1); c.1384C>T, p.Arg462Trp (NM_001386761.1, NM_032975.4, NM_032979.5); and 7 more; short protein forms R141W, R167W, R171W, R209W, R228W, R269W, R458W, R459W.
Identifiers: ClinVar variation 1061962 (VCV001061962.9), dbSNP rs371363393, ClinGen allele CA8935772.

ClinVar aggregate classification (germline): Uncertain significance (1 of 4 stars; one submission).

Conditions:
Left ventricular noncompaction 1 (LVNC1). Also called: LEFT VENTRICULAR NONCOMPACTION 1 WITH OR WITHOUT CONGENITAL HEART DEFECTS. Identifiers: Orphanet 54260, MedGen C1858725, MONDO:0011403, OMIM 604169.

Allele frequency attached by ClinVar (database versions not stated): ExAC 0.00001; gnomAD 0.00001; gnomAD exomes 0.00001; TOPMed 0.00001; ESP Exome Variant Server 0.00008.
gnomAD v4.1: 17 of 1,614,004 alleles (0.0011%); highest among the groups gnomAD compares: Middle Eastern, 0.033%; no homozygotes.

Submission:

Labcorp Genetics (formerly Invitae), Labcorp
Classification: Uncertain significance for Left ventricular noncompaction 1. Last evaluated: 2024-10-05. Review status: criteria provided, single submitter. Criteria: Invitae Variant Classification Sherloc (09022015). Collection method: clinical testing. Allele origin: germline.
Comment: This sequence change replaces arginine, which is basic and polar, with tryptophan, which is neutral and slightly polar, at codon 519 of the DTNA protein (p.Arg519Trp). This variant is present in population databases (rs371363393, gnomAD 0.003%). This variant has not been reported in the literature in individuals affected with DTNA-related conditions. ClinVar contains an entry for this variant (Variation ID: 1061962). An algorithm developed to predict the effect of missense changes on protein structure and function (PolyPhen-2) suggests that this variant is likely to be disruptive. In summary, the available evidence is currently insufficient to determine the role of this variant in disease. Therefore, it has been classified as a Variant of Uncertain Significance.